The following is an entry in ClinVar:

NM_033118.4(MYLK2):c.794C>T (p.Ala265Val)

Gene: MYLK2 (myosin light chain kinase 2; plus strand). Cytogenetic location: 20q11.21.
Variant type: single nucleotide variant.
Coding change: c.794C>T on transcript NM_033118.4 (MANE Select); coding-DNA position 794, C replaced by T.
Protein change: p.Ala265Val; replaces alanine 265 with valine.
Molecular consequence: missense variant.
Genome position (GRCh38, 1-based): chr20:31,823,498, C>T. VCF-style: chr20-31823498-C-T. GRCh37 (hg19) VCF-style: chr20-30411301-C-T.
Other names: short protein forms A265V.
Identifiers: ClinVar variation 5025231 (VCV005025231.1).

ClinVar aggregate classification (germline): Uncertain significance (1 of 4 stars; one submission).

gnomAD v4.1: 1 of 1,613,400 alleles (0.000062%); highest among the groups gnomAD compares: Non-Finnish European, 0.000085%; no homozygotes.

Submission:

Ambry Genetics
Classification: Uncertain significance. Last evaluated: 2026-07-10. Review status: criteria provided, single submitter. Criteria: Ambry Variant Classification Scheme 2023. Collection method: clinical testing. Allele origin: germline.
Comment: The p.A265V variant (also known as c.794C>T), located in coding exon 4 of the MYLK2 gene, results from a C to T substitution at nucleotide position 794. The alanine at codon 265 is replaced by valine, an amino acid with similar properties. This amino acid position is conserved. In addition, this alteration is predicted to be tolerated by in silico analysis. Based on the available evidence, the clinical significance of this variant remains unclear.